The following is an entry in ClinVar:

ClinVar aggregate classification (germline): Pathogenic/Likely pathogenic. Review status: criteria provided, multiple submitters, no conflicts (2 of 4 stars). 2 submissions from 2 submitters: Pathogenic (1); Likely pathogenic (1). Last evaluated 2026-01-15.

Conditions:
Amelocerebrohypohidrotic syndrome (KTZS). Also called: KOHLSCHUTTER SYNDROME; Kohlschutter's syndrome; EPILEPSY AND YELLOW TEETH; EPILEPSY, DEMENTIA, AND AMELOGENESIS IMPERFECTA. Identifiers: Orphanet 1946, MedGen C0406740, MONDO:0009185, OMIM 226750.

Allele frequency attached by ClinVar (database versions not stated): gnomAD 0.00001; TOPMed 0.00001; ExAC 0.00004.
gnomAD v4.1: 5 of 1,570,250 alleles (0.00032%); highest among the groups gnomAD compares: African/African-American, 0.0014%; no homozygotes.

Submissions (2):

Labcorp Genetics (formerly Invitae), Labcorp
Classification: Pathogenic for Amelocerebrohypohidrotic syndrome. Last evaluated: 2026-01-15. Review status: criteria provided, single submitter. Criteria: Invitae Variant Classification Sherloc (09022015). Collection method: clinical testing. Allele origin: germline.
Comment: This sequence change affects a donor splice site in intron 2 of the ROGDI gene. RNA analysis indicates that disruption of this splice site induces altered splicing and likely results in a shortened protein product. The frequency data for this variant in the population databases is considered unreliable, as metrics indicate poor data quality at this position in the gnomAD database. Disruption of this splice site has been observed in individual(s) with Kohlschütter-Tönz syndrome (PMID: 25565929). ClinVar contains an entry for this variant (Variation ID: 565630). Studies have shown that disruption of this splice site results in skipping of exon 2, but is expected to preserve the integrity of the reading-frame (PMID: 25565929). For these reasons, this variant has been classified as Pathogenic.

Revvity Omics, Revvity
Classification: Likely pathogenic for Amelocerebrohypohidrotic syndrome. Last evaluated: 2022-02-15. Review status: criteria provided, single submitter. Criteria: ACMG Guidelines, 2015. Collection method: clinical testing. Allele origin: germline.

Literature cited by the submitters: PubMed 25565929 (cited by Labcorp Genetics (formerly Invitae), Labcorp).

NM_024589.3(ROGDI):c.117+1G>A

Gene: ROGDI (rogdi atypical leucine zipper; minus strand). Cytogenetic location: 16p13.3.
Variant type: single nucleotide variant.
Coding change: c.117+1G>A on transcript NM_024589.3 (MANE Select); the canonical splice donor site of the intron after coding-DNA position 117, G replaced by A.
Molecular consequence: splice donor variant.
Genome position (GRCh38, 1-based): chr16:4,802,381, C>T on the plus strand (G>A on the coding strand, the complement: ROGDI is on the minus strand). VCF-style: chr16-4802381-C-T. GRCh37 (hg19) VCF-style: chr16-4852382-C-T.
Identifiers: ClinVar variation 565630 (VCV000565630.13), dbSNP rs570952151, ClinGen allele CA7883025.